The following is an entry in ClinVar:

NM_014283.5(SUCO):c.638C>T (p.Thr213Ile)

Gene: SUCO (SUN domain containing ossification factor; plus strand). Cytogenetic location: 1q24.3.
Variant type: single nucleotide variant.
Coding change: c.638C>T on transcript NM_014283.5 (MANE Select); coding-DNA position 638, C replaced by T.
Protein change: p.Thr213Ile; replaces threonine 213 with isoleucine.
Molecular consequence: missense variant. On other transcripts: 5 prime UTR variant (1).
Genome position (GRCh38, 1-based): chr1:172,557,700, C>T. VCF-style: chr1-172557700-C-T. GRCh37 (hg19) VCF-style: chr1-172526840-C-T.
Other names: c.527C>T, p.Thr176Ile (NM_001282750.2); c.-892C>T (NM_001282751.2); c.1112C>T, p.Thr371Ile (NM_016227.4); short protein forms T213I, T371I, T176I.
Identifiers: ClinVar variation 4698849 (VCV004698849.1).

ClinVar aggregate classification (germline): Uncertain significance (1 of 4 stars; one submission).

gnomAD v4.1: 7 of 1,612,880 alleles (0.00043%); highest among the groups gnomAD compares: Non-Finnish European, 0.00059%; no homozygotes.

Submission:

Labcorp Genetics (formerly Invitae), Labcorp
Classification: Uncertain significance. Last evaluated: 2025-08-30. Review status: criteria provided, single submitter. Criteria: Invitae Variant Classification Sherloc (09022015). Collection method: clinical testing. Allele origin: germline.
Comment: This sequence change replaces threonine, which is neutral and polar, with isoleucine, which is neutral and non-polar, at codon 213 of the SUCO protein (p.Thr213Ile). This variant is present in population databases (rs759450157, gnomAD 0.0009%). This variant has not been reported in the literature in individuals affected with SUCO-related conditions. An algorithm developed to predict the effect of missense changes on protein structure and function (PolyPhen-2) suggests that this variant is likely to be disruptive. In summary, the available evidence is currently insufficient to determine the role of this variant in disease. Therefore, it has been classified as a Variant of Uncertain Significance.